The following is an entry in ClinVar:

NM_001042492.3(NF1):c.3567A>G (p.Gln1189=)

Gene: NF1 (neurofibromin 1; plus strand). Cytogenetic location: 17q11.2.
Variant type: single nucleotide variant.
Coding change: c.3567A>G on transcript NM_001042492.3 (MANE Select); coding-DNA position 3567, A replaced by G.
Protein change: p.Gln1189=; no amino-acid change (glutamine 1189 retained).
Molecular consequence: synonymous variant.
Genome position (GRCh38, 1-based): chr17:31,233,072, A>G. VCF-style: chr17-31233072-A-G. GRCh37 (hg19) VCF-style: chr17-29560090-A-G.
Other names: c.3567A>G, p.Gln1189= (NM_000267.4).
Identifiers: ClinVar variation 2075271 (VCV002075271.5), dbSNP rs2067142551, ClinGen allele CA499444020.

ClinVar aggregate classification (germline): Conflicting classifications of pathogenicity. Review status: criteria provided, conflicting classifications (1 of 4 stars). 2 submissions from 2 submitters: Uncertain significance (1); Likely benign (1). Last evaluated 2025-07-13.

Conditions:
Cardiovascular phenotype. Identifiers: MedGen CN230736.
Hereditary cancer-predisposing syndrome. Also called: Hereditary Cancer Syndrome; Hereditary neoplastic syndrome; Neoplastic Syndromes, Hereditary; Tumor predisposition. Identifiers: Orphanet 140162, MedGen C0027672, MeSH D009386, MONDO:0015356.
Neurofibromatosis, type 1 (NF1). Also called: Neurofibromatosis, type I; VON RECKLINGHAUSEN DISEASE; NEUROFIBROMATOSIS, TYPE I, SOMATIC; Peripheral type neurofibromatosis. Identifiers: Orphanet 636, MedGen C0027831, MONDO:0018975, OMIM 162200. Disease mechanism: loss of function.

Allele frequency attached by ClinVar (database versions not stated): gnomAD exomes below 0.00001.
gnomAD v4.1: 4 of 1,614,210 alleles (0.00025%); highest among the groups gnomAD compares: Non-Finnish European, 0.00034%; no homozygotes.

Submissions (2):

Labcorp Genetics (formerly Invitae), Labcorp
Classification: Uncertain significance for Neurofibromatosis, type 1. Last evaluated: 2025-07-13. Review status: criteria provided, single submitter. Criteria: Invitae Variant Classification Sherloc (09022015). Collection method: clinical testing. Allele origin: germline.
Comment: This sequence change affects codon 1189 of the NF1 mRNA. It is a 'silent' change, meaning that it does not change the encoded amino acid sequence of the NF1 protein. This variant is not present in population databases (gnomAD no frequency). This variant has not been reported in the literature in individuals affected with NF1-related conditions. ClinVar contains an entry for this variant (Variation ID: 2075271). Algorithms developed to predict the effect of sequence changes on RNA splicing suggest that this variant may create or strengthen a splice site. In summary, the available evidence is currently insufficient to determine the role of this variant in disease. Therefore, it has been classified as a Variant of Uncertain Significance.

Ambry Genetics
Classification: Likely benign for Cardiovascular phenotype; Hereditary cancer-predisposing syndrome. Last evaluated: 2024-08-01. Review status: criteria provided, single submitter. Criteria: Ambry Variant Classification Scheme 2023. Collection method: clinical testing. Allele origin: germline.